The following is an entry in ClinVar:

NM_001130144.3(LTBP3):c.808C>T (p.Pro270Ser)

Gene: LTBP3 (latent transforming growth factor beta binding protein 3; minus strand). Cytogenetic location: 11q13.1.
Variant type: single nucleotide variant.
Coding change: c.808C>T on transcript NM_001130144.3 (MANE Select); coding-DNA position 808, C replaced by T.
Protein change: p.Pro270Ser; replaces proline 270 with serine.
Molecular consequence: missense variant.
Genome position (GRCh38, 1-based): chr11:65,553,757, G>A on the plus strand (C>T on the coding strand, the complement: LTBP3 is on the minus strand). VCF-style: chr11-65553757-G-A. GRCh37 (hg19) VCF-style: chr11-65321228-G-A.
Other names: c.457C>T, p.Pro153Ser (NM_001164266.1); c.808C>T, p.Pro270Ser (NM_021070.4); short protein forms P153S, P270S.
Identifiers: ClinVar variation 1761932 (VCV001761932.4), dbSNP rs762151824, ClinGen allele CA6101157.

ClinVar aggregate classification (germline): Uncertain significance. Review status: criteria provided, multiple submitters, no conflicts (2 of 4 stars). 2 submissions from 2 submitters: Uncertain significance (2). Last evaluated 2024-09-28.

Conditions:
Brachyolmia-amelogenesis imperfecta syndrome. Also called: PLATYSPONDYLY WITH AMELOGENESIS IMPERFECTA; Tooth agenesis, selective, 6; Dental anomalies and short stature. Identifiers: Orphanet 2899, MedGen C1832594, MONDO:0011018, OMIM 601216. Disease mechanism: loss of function.
Inborn genetic diseases. Identifiers: MedGen C0950123, MeSH D030342.

Allele frequency attached by ClinVar (database versions not stated): gnomAD exomes 0.00001; ExAC 0.00003.
gnomAD v4.1: 3 of 1,574,810 alleles (0.00019%); highest among the groups gnomAD compares: African/African-American, 0.0027%; no homozygotes.

Submissions (2):

Labcorp Genetics (formerly Invitae), Labcorp
Classification: Uncertain significance for Brachyolmia-amelogenesis imperfecta syndrome. Last evaluated: 2024-09-28. Review status: criteria provided, single submitter. Criteria: Invitae Variant Classification Sherloc (09022015). Collection method: clinical testing. Allele origin: germline.
Comment: This sequence change replaces proline, which is neutral and non-polar, with serine, which is neutral and polar, at codon 270 of the LTBP3 protein (p.Pro270Ser). The frequency data for this variant in the population databases is considered unreliable, as metrics indicate poor data quality at this position in the gnomAD database. This variant has not been reported in the literature in individuals affected with LTBP3-related conditions. ClinVar contains an entry for this variant (Variation ID: 1761932). An algorithm developed to predict the effect of missense changes on protein structure and function (PolyPhen-2) suggests that this variant is likely to be disruptive. In summary, the available evidence is currently insufficient to determine the role of this variant in disease. Therefore, it has been classified as a Variant of Uncertain Significance.

Ambry Genetics
Classification: Uncertain significance for Inborn genetic diseases. Last evaluated: 2022-03-23. Review status: criteria provided, single submitter. Criteria: Ambry Variant Classification Scheme 2023. Collection method: clinical testing. Allele origin: germline.
Comment: The p.P270S variant (also known as c.808C>T), located in coding exon 3 of the LTBP3 gene, results from a C to T substitution at nucleotide position 808. The proline at codon 270 is replaced by serine, an amino acid with similar properties. This amino acid position is conserved. In addition, the in silico prediction for this alteration is inconclusive. Since supporting evidence is limited at this time, the clinical significance of this alteration remains unclear.